The following is an entry in ClinVar:

ClinVar aggregate classification (germline): Uncertain significance. Review status: criteria provided, multiple submitters, no conflicts (2 of 4 stars). 3 submissions from 3 submitters: Uncertain significance (3). Last evaluated 2025-07-08.

Conditions:
Inborn genetic diseases. Identifiers: MedGen C0950123, MeSH D030342.

Allele frequency attached by ClinVar (database versions not stated): gnomAD 0.00001 and 0.00002; gnomAD exomes 0.00005 and 0.00012; TOPMed 0.00005; ExAC 0.00008.
gnomAD v4.1: 35 of 1,613,982 alleles (0.0022%); highest among the groups gnomAD compares: Admixed American, 0.055%; no homozygotes.

Submissions (3):

Ambry Genetics
Classification: Uncertain significance for Inborn genetic diseases. Last evaluated: 2025-07-08. Review status: criteria provided, single submitter. Criteria: Ambry Variant Classification Scheme 2023. Collection method: clinical testing. Allele origin: germline.

Mayo Clinic Laboratories, Mayo Clinic
Classification: Uncertain significance. Last evaluated: 2024-06-06. Review status: criteria provided, single submitter. Criteria: ACMG Guidelines, 2015. Collection method: clinical testing. Allele origin: germline. Observed: 1 variant allele.
Comment: PP3

Labcorp Genetics (formerly Invitae), Labcorp
Classification: Uncertain significance. Last evaluated: 2022-02-23. Review status: criteria provided, single submitter. Criteria: Invitae Variant Classification Sherloc (09022015). Collection method: clinical testing. Allele origin: germline.
Comment: This sequence change replaces methionine, which is neutral and non-polar, with valine, which is neutral and non-polar, at codon 479 of the PEPD protein (p.Met479Val). This variant is present in population databases (rs774917395, gnomAD 0.09%). This variant has not been reported in the literature in individuals affected with PEPD-related conditions. Algorithms developed to predict the effect of missense changes on protein structure and function are either unavailable or do not agree on the potential impact of this missense change (SIFT: "Tolerated"; PolyPhen-2: "Possibly Damaging"; Align-GVGD: "Class C0"). In summary, the available evidence is currently insufficient to determine the role of this variant in disease. Therefore, it has been classified as a Variant of Uncertain Significance.

NM_000285.4(PEPD):c.1435A>G (p.Met479Val)

Gene: PEPD (peptidase D; minus strand). Cytogenetic location: 19q13.11.
Variant type: single nucleotide variant.
Coding change: c.1435A>G on transcript NM_000285.4 (MANE Select); coding-DNA position 1435, A replaced by G.
Protein change: p.Met479Val; replaces methionine 479 with valine.
Molecular consequence: missense variant.
Genome position (GRCh38, 1-based): chr19:33,387,391, T>C on the plus strand (A>G on the coding strand, the complement: PEPD is on the minus strand). VCF-style: chr19-33387391-T-C. GRCh37 (hg19) VCF-style: chr19-33878297-T-C.
Other names: p.Met479Val; c.1312A>G, p.Met438Val (NM_001166056.2); c.1243A>G, p.Met415Val (NM_001166057.2); c.1435A>G (NM_000285.3); short protein forms M438V, M415V, M479V.
Identifiers: ClinVar variation 1356741 (VCV001356741.5), dbSNP rs774917395, ClinGen allele CA9363856.
Genomic context (GRCh38, chr19:33,387,391, plus strand): 5'-TTTCTGGCTGGCTCTACTTGGGGCCAGAGAAGGGGGTAAAGGCCTTGTCACAGCCTGCCA[T>C]GCATGCTTCAATCTCTTCCACAGTGCGGGGCACGCAGGTCAGCAGCTCTATGCCGCTGTC-3'
Protein context (NP_000276.2, residues 469-489): PRTVEEIEAC[Met479Val]AGCDKAFTPF